The following is an entry in ClinVar:

ClinVar aggregate classification (germline): Likely benign. Review status: criteria provided, multiple submitters, no conflicts (2 of 4 stars). 2 submissions from 2 submitters: Likely benign (2). Last evaluated 2025-08-18.

Conditions:
Autosomal recessive limb-girdle muscular dystrophy type 2L (LGMDR12). Also called: Limb-girdle muscular dystrophy, type 2L; Limb-Girdle Muscular Dystrophy R12 Anoctamin-5-Related (LGMD-R12); MUSCULAR DYSTROPHY, LIMB-GIRDLE, AUTOSOMAL RECESSIVE 12. Identifiers: Orphanet 206549, MedGen C1969785, MONDO:0012652, OMIM 611307.
Gnathodiaphyseal dysplasia (GDD). Also called: GNATHODIAPHYSEAL SCLEROSIS; OSTEOGENESIS IMPERFECTA WITH UNUSUAL SKELETAL LESIONS. Identifiers: Orphanet 53697, MedGen C1833736, MONDO:0008151, OMIM 166260.

Allele frequency attached by ClinVar (database versions not stated): TOPMed below 0.00001; gnomAD 0.00001; gnomAD exomes 0.00001 and 0.00002.

Submissions (2):

Labcorp Genetics (formerly Invitae), Labcorp
Classification: Likely benign for Autosomal recessive limb-girdle muscular dystrophy type 2L; Gnathodiaphyseal dysplasia. Last evaluated: 2025-08-18. Review status: criteria provided, single submitter. Criteria: Invitae Variant Classification Sherloc (09022015). Collection method: clinical testing. Allele origin: germline.

GeneDx
Classification: Likely benign. Last evaluated: 2018-04-04. Review status: criteria provided, single submitter. Criteria: GeneDx Variant Classification (06012015). Collection method: clinical testing. Allele origin: germline. Affected: yes.
Comment: This variant is considered likely benign or benign based on one or more of the following criteria: it is a conservative change, it occurs at a poorly conserved position in the protein, it is predicted to be benign by multiple in silico algorithms, and/or has population frequency not consistent with disease.

NM_213599.3(ANO5):c.181-19T>C

Gene: ANO5 (anoctamin 5; plus strand). Cytogenetic location: 11p14.3.
Variant type: single nucleotide variant.
Coding change: c.181-19T>C on transcript NM_213599.3 (MANE Select); 19 bases into the intron before coding-DNA position 181, T replaced by C.
Molecular consequence: intron variant.
Genome position (GRCh38, 1-based): chr11:22,221,078, T>C. VCF-style: chr11-22221078-T-C. GRCh37 (hg19) VCF-style: chr11-22242624-T-C.
Other names: c.178-19T>C (NM_001142649.2).
Identifiers: ClinVar variation 681444 (VCV000681444.2), dbSNP rs1306471349, ClinGen allele CA597910936.
Genomic context (GRCh38, chr11:22,221,078, plus strand): 5'-TATAAATAATTCCTTTTGTGCTTTTGCCATTTCAGAATAAAACTATAATTTACAATTGTG[T>C]CATTTATGTCTCCTGCAGTTTCAAAAAAATCAGCAAAGCAAAGATTCTATCTTCTTCCGA-3'